The following is an entry in ClinVar:

ClinVar aggregate classification (germline): Uncertain significance (1 of 4 stars; one submission).

Conditions:
Hereditary cancer-predisposing syndrome. Also called: Neoplastic Syndromes, Hereditary; Tumor predisposition; Hereditary neoplastic syndrome; Hereditary Cancer Syndrome. Identifiers: Orphanet 140162, MedGen C0027672, MeSH D009386, MONDO:0015356.

Submission:

Ambry Genetics
Classification: Uncertain significance for Hereditary cancer-predisposing syndrome. Last evaluated: 2026-07-07. Review status: criteria provided, single submitter. Criteria: Ambry Variant Classification Scheme 2023. Collection method: clinical testing. Allele origin: germline.
Comment: The p.D168Y variant (also known as c.502G>T), located in coding exon 3 of the MSH3 gene, results from a G to T substitution at nucleotide position 502. The aspartic acid at codon 168 is replaced by tyrosine, an amino acid with highly dissimilar properties. This amino acid position is conserved. In addition, the in silico prediction for this alteration is inconclusive. Based on the available evidence, the clinical significance of this variant remains unclear.

NM_002439.5(MSH3):c.502G>T (p.Asp168Tyr)

Gene: MSH3 (mutS homolog 3; plus strand). Cytogenetic location: 5q14.1.
Variant type: single nucleotide variant.
Coding change: c.502G>T on transcript NM_002439.5 (MANE Select); coding-DNA position 502, G replaced by T.
Protein change: p.Asp168Tyr; replaces aspartic acid 168 with tyrosine.
Molecular consequence: missense variant.
Genome position (GRCh38, 1-based): chr5:80,665,286, G>T. VCF-style: chr5-80665286-G-T. GRCh37 (hg19) VCF-style: chr5-79961105-G-T.
Other names: short protein forms D168Y.
Identifiers: ClinVar variation 5024799 (VCV005024799.1).
Genomic context (GRCh38, chr5:80,665,286, plus strand): 5'-CAAAGTAGAGTCCAGACAGAATCTCTGCAGGAGAGATTTGCAGTTCTGCCAAAATGTACT[G>T]ATTTTGATGATATCAGTCTTCTACACGCAAAGAATGCAGTTTCTTCTGAAGATTCGAAAC-3'
Protein context (NP_002430.3, residues 158-178): ERFAVLPKCT[Asp168Tyr]FDDISLLHAK